The following is an entry in ClinVar:

NM_006231.4(POLE):c.1009G>C (p.Glu337Gln)

Gene: POLE (DNA polymerase epsilon, catalytic subunit; minus strand). Cytogenetic location: 12q24.33.
Variant type: single nucleotide variant.
Coding change: c.1009G>C on transcript NM_006231.4 (MANE Select); coding-DNA position 1009, G replaced by C.
Protein change: p.Glu337Gln; replaces glutamic acid 337 with glutamine.
Molecular consequence: missense variant.
Genome position (GRCh38, 1-based): chr12:132,676,105, C>G on the plus strand (G>C on the coding strand, the complement: POLE is on the minus strand). VCF-style: chr12-132676105-C-G. GRCh37 (hg19) VCF-style: chr12-133252691-C-G.
Other names: short protein forms E337Q.
Identifiers: ClinVar variation 4825832 (VCV004825832.1).

ClinVar aggregate classification (germline): Uncertain significance (1 of 4 stars; one submission).

Conditions:
Hereditary cancer-predisposing syndrome. Also called: Neoplastic Syndromes, Hereditary; Tumor predisposition; Hereditary Cancer Syndrome; Hereditary neoplastic syndrome. Identifiers: Orphanet 140162, MedGen C0027672, MeSH D009386, MONDO:0015356.

Submission:

Ambry Genetics
Classification: Uncertain significance for Hereditary cancer-predisposing syndrome. Last evaluated: 2026-03-12. Review status: criteria provided, single submitter. Criteria: Ambry Variant Classification Scheme 2023. Collection method: clinical testing. Allele origin: germline.
Comment: The p.E337Q variant (also known as c.1009G>C), located in coding exon 10 of the POLE gene, results from a G to C substitution at nucleotide position 1009. The glutamic acid at codon 337 is replaced by glutamine, an amino acid with highly similar properties. This amino acid position is conserved. In addition, this alteration is predicted to be tolerated by in silico analysis. Based on the available evidence, the clinical significance of this variant remains unclear.